The following is an entry in ClinVar:

NM_022051.3(EGLN1):c.190G>C (p.Ala64Pro)

Gene: EGLN1 (egl-9 family hypoxia inducible factor 1; minus strand). Cytogenetic location: 1q42.2.
Variant type: single nucleotide variant.
Coding change: c.190G>C on transcript NM_022051.3 (MANE Select); coding-DNA position 190, G replaced by C.
Protein change: p.Ala64Pro; replaces alanine 64 with proline.
Molecular consequence: missense variant.
Genome position (GRCh38, 1-based): chr1:231,421,699, C>G on the plus strand (G>C on the coding strand, the complement: EGLN1 is on the minus strand). VCF-style: chr1-231421699-C-G. GRCh37 (hg19) VCF-style: chr1-231557445-C-G.
Other names: c.190G>C, p.Ala64Pro (NM_001377260.1, NM_001377261.1); short protein forms A64P.
Identifiers: ClinVar variation 1782484 (VCV001782484.3), dbSNP rs776333127, ClinGen allele CA345238695.

ClinVar aggregate classification (germline): Uncertain significance (1 of 4 stars; one submission).

Submission:

Ambry Genetics
Classification: Uncertain significance. Last evaluated: 2025-04-05. Review status: criteria provided, single submitter. Criteria: Ambry Variant Classification Scheme 2023. Collection method: clinical testing. Allele origin: germline.
Comment: The p.A64P variant (also known as c.190G>C), located in coding exon 1 of the EGLN1 gene, results from a G to C substitution at nucleotide position 190. The alanine at codon 64 is replaced by proline, an amino acid with highly similar properties. This amino acid position is conserved. In addition, this alteration is predicted to be tolerated by in silico analysis. Since supporting evidence is limited at this time, the clinical significance of this alteration remains unclear.